The following is an entry in ClinVar:

NM_018965.4(TREM2):c.668C>T (p.Thr223Ile)

Gene: TREM2 (triggering receptor expressed on myeloid cells 2; minus strand). Cytogenetic location: 6p21.1.
Variant type: single nucleotide variant.
Coding change: c.668C>T on transcript NM_018965.4 (MANE Select); coding-DNA position 668, C replaced by T.
Protein change: p.Thr223Ile; replaces threonine 223 with isoleucine.
Molecular consequence: missense variant. On other transcripts: intron variant (1).
Genome position (GRCh38, 1-based): chr6:41,158,881, G>A on the plus strand (C>T on the coding strand, the complement: TREM2 is on the minus strand). VCF-style: chr6-41158881-G-A. GRCh37 (hg19) VCF-style: chr6-41126619-G-A.
Other names: p.Thr223Ile; c.483-101C>T (NM_001271821.2); short protein forms T223I.
Identifiers: ClinVar variation 714394 (VCV000714394.33), dbSNP rs138355759, ClinGen allele CA3798824.

ClinVar aggregate classification (germline): Benign/Likely benign. Review status: criteria provided, multiple submitters, no conflicts (2 of 4 stars). 8 submissions from 8 submitters: Benign (1); Likely benign (4). 3 of the submissions do not count toward it. Last evaluated 2026-01-03.

Conditions:
Polycystic lipomembranous osteodysplasia with sclerosing leukoencephalopathy 2. Also called: TREM2-Related Polycystic Lipomembranous Osteodysplasia with Sclerosing Leukoencephalopathy. Identifiers: MedGen C4748657, MONDO:0020750, OMIM 618193.
TREM2-related disorder. Also called: TREM2-related condition.

Allele frequency attached by ClinVar (database versions not stated): gnomAD 0.00026 and 0.00045; TOPMed 0.00026; ESP Exome Variant Server 0.00054; gnomAD exomes 0.00060 and 0.00084; ExAC 0.00093; 1000 Genomes Project 0.00140; 1000 Genomes Project 30x 0.00203.
gnomAD v4.1: 954 of 1,614,246 alleles (0.059%); highest among the groups gnomAD compares: South Asian, 0.45%; 8 homozygotes.

Submissions (8):

Labcorp Genetics (formerly Invitae), Labcorp
Classification: Likely benign. Last evaluated: 2026-01-03. Review status: criteria provided, single submitter. Criteria: Invitae Variant Classification Sherloc (09022015). Collection method: clinical testing. Allele origin: germline.

Mayo Clinic Laboratories, Mayo Clinic
Classification: Likely benign. Last evaluated: 2025-07-21. Review status: criteria provided, single submitter. Criteria: ACMG Guidelines, 2015. Collection method: clinical testing. Allele origin: germline. Observed: 1 variant allele.
Comment: BS1, BP4_moderate

CeGaT Center for Human Genetics Tuebingen
Classification: Likely benign. Last evaluated: 2024-12-01. Review status: criteria provided, single submitter. Criteria: CeGaT Center For Human Genetics Tuebingen Variant Classification Criteria Version 2. Collection method: clinical testing. Allele origin: germline. Affected: yes. Observed: 1 variant allele.
Comment: TREM2: BP4, BS2

Blueprint Genetics
Classification: Likely benign. Last evaluated: 2024-11-22. Review status: criteria provided, single submitter. Criteria: ACMG Guidelines, 2015. Collection method: clinical testing. Allele origin: germline.

Illumina Laboratory Services, Illumina
Classification: Benign for Polycystic lipomembranous osteodysplasia with sclerosing leukoencephalopathy 2. Last evaluated: 2017-04-27. Review status: criteria provided, single submitter. Criteria: ICSL Variant Classification Criteria 13 December 2019. Collection method: clinical testing. Allele origin: germline.
Comment: This variant was observed as part of a predisposition screen in an ostensibly healthy population. A literature search was performed for the gene, cDNA change, and amino acid change (where applicable). Publications were found based on this search. The evidence from the literature, in combination with allele frequency data from public databases where available, was sufficient to rule this variant out of causing disease. Therefore, this variant is classified as benign.

PreventionGenetics, part of Exact Sciences
Classification: Likely benign for TREM2-related condition. Last evaluated: 2021-02-15. Review status: no assertion criteria provided. Collection method: clinical testing. Allele origin: germline. Not counted in ClinVar's aggregate classification.
Comment: This variant is classified as likely benign based on ACMG/AMP sequence variant interpretation guidelines (Richards et al. 2015 PMID: 25741868, with internal and published modifications).

Clinical Genetics DNA and cytogenetics Diagnostics Lab, Erasmus MC, Erasmus Medical Center
Classification: Likely benign. Review status: no assertion criteria provided. Collection method: clinical testing. Allele origin: germline. Affected: yes. Study: VKGL Data-share Consensus. Not counted in ClinVar's aggregate classification.

Genome Diagnostics Laboratory, Amsterdam University Medical Center
Classification: Likely benign. Review status: no assertion criteria provided. Collection method: clinical testing. Allele origin: germline. Affected: yes. Study: VKGL Data-share Consensus. Not counted in ClinVar's aggregate classification.

Literature cited by the submitters: PubMed 24119542 (cited by Mayo Clinic Laboratories, Mayo Clinic and Illumina Laboratory Services, Illumina); PubMed 24685331 (cited by Mayo Clinic Laboratories, Mayo Clinic and Illumina Laboratory Services, Illumina); PubMed 24899047 (cited by Mayo Clinic Laboratories, Mayo Clinic and Illumina Laboratory Services, Illumina); PubMed 27589997 (cited by Mayo Clinic Laboratories, Mayo Clinic); PubMed 32894242 (cited by Mayo Clinic Laboratories, Mayo Clinic); PubMed 36133075 (cited by Mayo Clinic Laboratories, Mayo Clinic).